The following is an entry in ClinVar:

ClinVar aggregate classification (germline): Uncertain significance (1 of 4 stars; one submission).

Allele frequency attached by ClinVar (database versions not stated): gnomAD exomes below 0.00001 and 0.00001.
gnomAD v4.1: 4 of 1,613,638 alleles (0.00025%); highest among the groups gnomAD compares: Non-Finnish European, 0.00034%; no homozygotes.

Submission:

Labcorp Genetics (formerly Invitae), Labcorp
Classification: Uncertain significance. Last evaluated: 2021-11-23. Review status: criteria provided, single submitter. Criteria: Invitae Variant Classification Sherloc (09022015). Collection method: clinical testing. Allele origin: germline.
Comment: In summary, the available evidence is currently insufficient to determine the role of this variant in disease. Therefore, it has been classified as a Variant of Uncertain Significance. Algorithms developed to predict the effect of missense changes on protein structure and function output the following: SIFT: "Tolerated"; PolyPhen-2: "Benign"; Align-GVGD: "Class C0". The serine amino acid residue is found in multiple mammalian species, which suggests that this missense change does not adversely affect protein function. This variant has not been reported in the literature in individuals affected with PNPLA8-related conditions. This variant is present in population databases (no rsID available, gnomAD 0.0009%). This sequence change replaces tyrosine, which is neutral and polar, with serine, which is neutral and polar, at codon 673 of the PNPLA8 protein (p.Tyr673Ser).

NM_001256007.3(PNPLA8):c.2018A>C (p.Tyr673Ser)

Gene: PNPLA8 (patatin like domain 8, phospholipase A2; minus strand). Cytogenetic location: 7q31.1.
Variant type: single nucleotide variant.
Coding change: c.2018A>C on transcript NM_001256007.3 (MANE Select); coding-DNA position 2018, A replaced by C.
Protein change: p.Tyr673Ser; replaces tyrosine 673 with serine.
Molecular consequence: missense variant.
Genome position (GRCh38, 1-based): chr7:108,479,240, T>G on the plus strand (A>C on the coding strand, the complement: PNPLA8 is on the minus strand). VCF-style: chr7-108479240-T-G. GRCh37 (hg19) VCF-style: chr7-108119684-T-G.
Other names: c.2018A>C, p.Tyr673Ser (NM_001256008.3, NM_015723.5); c.1832A>C, p.Tyr611Ser (NM_001256009.3); c.1718A>C, p.Tyr573Ser (NM_001256010.3, NM_001256011.3); short protein forms Y673S, Y573S, Y611S.
Identifiers: ClinVar variation 1376550 (VCV001376550.6), dbSNP rs1361560930, ClinGen allele CA368891997.